The following is an entry in ClinVar:

NM_004924.6(ACTN4):c.2016C>T (p.Ile672=)

Gene: ACTN4 (actinin alpha 4; plus strand). Cytogenetic location: 19q13.2.
Variant type: single nucleotide variant.
Coding change: c.2016C>T on transcript NM_004924.6 (MANE Select); coding-DNA position 2016, C replaced by T.
Protein change: p.Ile672=; no amino-acid change (isoleucine 672 retained).
Molecular consequence: synonymous variant.
Genome position (GRCh38, 1-based): chr19:38,725,729, C>T. VCF-style: chr19-38725729-C-T. GRCh37 (hg19) VCF-style: chr19-39216369-C-T.
Other names: c.2016C>T, p.Ile672= (NM_001322033.2).
Identifiers: ClinVar variation 585360 (VCV000585360.18), dbSNP rs137985903, ClinGen allele CA9417865.
Genomic context (GRCh38, chr19:38,725,729, plus strand): 5'-GTCAGTGGGGGCAGGCCCACCAGCCTCACCCCACCGCCTGCACCCACCCCCGTAGGAGAT[C>T]GGGCGCATCTCCATTGAGATGAACGGGACCCTGGAGGACCAGCTGAGCCACCTGAAGCAG-3'
Protein context (NP_004915.2, residues 662-682): GPWIQTKMEE[Ile672=]GRISIEMNGT

ClinVar aggregate classification (germline): Benign/Likely benign. Review status: criteria provided, multiple submitters, no conflicts (2 of 4 stars). 6 submissions from 6 submitters: Benign (4); Likely benign (2). Last evaluated 2026-01-27.

Conditions:
Focal segmental glomerulosclerosis 1 (FSGS1). Identifiers: Orphanet 656, MedGen C4551527, MONDO:0011303, OMIM 603278.

Allele frequency attached by ClinVar (database versions not stated): gnomAD exomes 0.00012 and 0.00028; ExAC 0.00038; ESP Exome Variant Server 0.00077; gnomAD 0.00102 and 0.00110; 1000 Genomes Project 0.00120; TOPMed 0.00122; 1000 Genomes Project 30x 0.00125.
gnomAD v4.1: 341 of 1,613,732 alleles (0.021%); highest among the groups gnomAD compares: African/African-American, 0.33%; no homozygotes.

Submissions (6):

Labcorp Genetics (formerly Invitae), Labcorp
Classification: Benign. Last evaluated: 2026-01-27. Review status: criteria provided, single submitter. Criteria: Invitae Variant Classification Sherloc (09022015). Collection method: clinical testing. Allele origin: germline.

Athena Diagnostics
Classification: Benign. Last evaluated: 2023-12-13. Review status: criteria provided, single submitter. Criteria: Athena Diagnostics Criteria. Collection method: clinical testing. Allele origin: unknown.

Genome-Nilou Lab
Classification: Benign for Focal segmental glomerulosclerosis 1. Last evaluated: 2021-12-05. Review status: criteria provided, single submitter. Criteria: ACMG Guidelines, 2015. Collection method: clinical testing. Allele origin: germline. Affected: no.

Fulgent Genetics
Classification: Likely benign for Focal segmental glomerulosclerosis 1. Last evaluated: 2021-10-20. Review status: criteria provided, single submitter. Criteria: ACMG Guidelines, 2015. Collection method: clinical testing. Allele origin: unknown.

GeneDx
Classification: Likely benign. Last evaluated: 2020-12-08. Review status: criteria provided, single submitter. Criteria: GeneDx Variant Classification Process June 2021. Collection method: clinical testing. Allele origin: germline. Affected: yes.
Comment: See Variant Classification Assertion Criteria.

Breakthrough Genomics
Classification: Benign. Review status: criteria provided, single submitter. Criteria: ACMG Guidelines, 2015. Collection method: not provided. Allele origin: germline. Inheritance: Autosomal dominant inheritance. Affected: yes.